The following is an entry in ClinVar:

ClinVar aggregate classification (germline): Uncertain significance. Review status: criteria provided, multiple submitters, no conflicts (2 of 4 stars). 3 submissions from 3 submitters: Uncertain significance (2). 1 of the submissions does not count toward it. Last evaluated 2025-09-21.

Conditions:
PKHD1-related disorder. Also called: PKHD1-related condition.
Polycystic kidney disease 4 (PKD4). Also called: POLYCYSTIC KIDNEY DISEASE 4 WITH OR WITHOUT POLYCYSTIC LIVER DISEASE; PKD3; POLYCYSTIC KIDNEY AND HEPATIC DISEASE 1; POLYCYSTIC KIDNEY DISEASE, INFANTILE, TYPE I; Autosomal Recessive Polycystic Kidney Disease – PKHD1. Identifiers: MedGen C4540575, MONDO:0033004, OMIM 263200.

Allele frequency attached by ClinVar (database versions not stated): ExAC 0.00001; gnomAD 0.00003; TOPMed 0.00008.
gnomAD v4.1: 12 of 1,613,974 alleles (0.00074%); highest among the groups gnomAD compares: African/African-American, 0.016%; no homozygotes.

Submissions (3):

Mayo Clinic Laboratories, Mayo Clinic
Classification: Uncertain significance. Last evaluated: 2025-09-21. Review status: criteria provided, single submitter. Criteria: ACMG Guidelines, 2015. Collection method: clinical testing. Allele origin: germline. Observed: 1 variant allele.
Comment: BP4

Fulgent Genetics
Classification: Uncertain significance for Polycystic kidney disease 4. Last evaluated: 2024-02-17. Review status: criteria provided, single submitter. Criteria: ACMG Guidelines, 2015. Collection method: clinical testing. Allele origin: germline.

PreventionGenetics, part of Exact Sciences
Classification: Uncertain significance for PKHD1-related condition. Last evaluated: 2024-01-03. Review status: no assertion criteria provided. Collection method: clinical testing. Allele origin: germline. Not counted in ClinVar's aggregate classification.
Comment: The PKHD1 c.1081C>T variant is predicted to result in the amino acid substitution p.Pro361Ser. To our knowledge, this variant has not been reported in the literature. This variant is reported in 0.018% of alleles in individuals of African descent in gnomAD. At this time, the clinical significance of this variant is uncertain due to the absence of conclusive functional and genetic evidence.

NM_138694.4(PKHD1):c.1081C>T (p.Pro361Ser)

Gene: PKHD1 (PKHD1 ciliary IPT domain containing fibrocystin/polyductin; minus strand). Cytogenetic location: 6p12.2.
Variant type: single nucleotide variant.
Coding change: c.1081C>T on transcript NM_138694.4 (MANE Select); coding-DNA position 1081, C replaced by T.
Protein change: p.Pro361Ser; replaces proline 361 with serine.
Molecular consequence: missense variant.
Genome position (GRCh38, 1-based): chr6:52,062,556, G>A on the plus strand (C>T on the coding strand, the complement: PKHD1 is on the minus strand). VCF-style: chr6-52062556-G-A. GRCh37 (hg19) VCF-style: chr6-51927354-G-A.
Other names: p.Pro361Ser; c.1081C>T, p.Pro361Ser (NM_170724.3); short protein forms P361S.
Identifiers: ClinVar variation 3053004 (VCV003053004.4), dbSNP rs756044456, ClinGen allele CA3853655.